The following is an entry in ClinVar:

NM_022166.4(XYLT1):c.143G>T (p.Gly48Val)

Gene: XYLT1 (xylosyltransferase 1; minus strand). Cytogenetic location: 16p12.3.
Variant type: single nucleotide variant.
Coding change: c.143G>T on transcript NM_022166.4 (MANE Select); coding-DNA position 143, G replaced by T.
Protein change: p.Gly48Val; replaces glycine 48 with valine.
Molecular consequence: missense variant.
Genome position (GRCh38, 1-based): chr16:17,470,654, C>A on the plus strand (G>T on the coding strand, the complement: XYLT1 is on the minus strand). VCF-style: chr16-17470654-C-A. GRCh37 (hg19) VCF-style: chr16-17564511-C-A.
Other names: short protein forms G48V.
Identifiers: ClinVar variation 2962479 (VCV002962479.3), dbSNP rs973108580, ClinGen allele CA395220308.
Genomic context (GRCh38, chr16:17,470,654, plus strand): 5'-CGGCGCTCCCGGCGCGGGGCCGGGGCCGGGGGCGGCTGCTCCCCGCCGCCGACCGCTGCG[C>A]CCCCGCGGCGCTCCCCGGCCCCGGAGTCGAGGCTGCTGAAATTCCACACGACCAGCGTCT-3'
Protein context (NP_071449.1, residues 38-58): LDSGAGERRG[Gly48Val]AAVGGGEQPP

ClinVar aggregate classification (germline): Uncertain significance (1 of 4 stars; one submission).

Conditions:
Desbuquois dysplasia 1 (DBQD1). Also called: MICROMELIC DWARFISM WITH VERTEBRAL AND METAPHYSEAL ABNORMALITIES AND ADVANCED CARPOTARSAL OSSIFICATION; DESBUQUOIS DYSPLASIA 1, KIM VARIANT. Identifiers: Orphanet 1425, MedGen C4012146, MONDO:0009629, OMIM 251450.

Allele frequency attached by ClinVar (database versions not stated): gnomAD exomes 0.00001.

Submission:

Labcorp Genetics (formerly Invitae), Labcorp
Classification: Uncertain significance for Desbuquois dysplasia 1. Last evaluated: 2024-11-27. Review status: criteria provided, single submitter. Criteria: Invitae Variant Classification Sherloc (09022015). Collection method: clinical testing. Allele origin: germline.
Comment: This sequence change replaces glycine, which is neutral and non-polar, with valine, which is neutral and non-polar, at codon 48 of the XYLT1 protein (p.Gly48Val). This variant is not present in population databases (gnomAD no frequency). This variant has not been reported in the literature in individuals affected with XYLT1-related conditions. ClinVar contains an entry for this variant (Variation ID: 2962479). Experimental studies and prediction algorithms are not available or were not evaluated, and the functional significance of this variant is currently unknown. In summary, the available evidence is currently insufficient to determine the role of this variant in disease. Therefore, it has been classified as a Variant of Uncertain Significance.